The following is an entry in ClinVar:

ClinVar aggregate classification (germline): Conflicting classifications of pathogenicity. Review status: criteria provided, conflicting classifications (1 of 4 stars). 8 submissions from 8 submitters: Uncertain significance (1); Benign (2); Likely benign (4). 1 of the submissions does not count toward it. Last evaluated 2026-01-26.

Conditions:
PLEC-related disorder. Also called: PLEC-related disorders; PLEC-related condition.
Epidermolysis bullosa simplex, Ogna type (EBS5A). Also called: Pidermolysis bullosa simplex 5A, Ogna type; EPIDERMOLYSIS BULLOSA SIMPLEX 5A, OGNA TYPE. Identifiers: Orphanet 79401, MedGen C0432317, MONDO:0007555, OMIM 131950.
Epidermolysis bullosa simplex 5C, with pyloric atresia (EBS5C). Also called: PLEC-Related Epidermolysis Bullosa with Pyloric Atresia; Epidermolysis bullosa simplex with pyloric atresia; PLEC1-Related Epidermolysis Bullosa with Pyloric Atresia. Identifiers: Orphanet 158684, MedGen C2677349, MONDO:0012807, OMIM 612138.
Autosomal recessive limb-girdle muscular dystrophy type 2Q (LGMDR17). Also called: MUSCULAR DYSTROPHY, LIMB-GIRDLE, AUTOSOMAL RECESSIVE 17. Identifiers: Orphanet 254361, MedGen C3150989, MONDO:0013390, OMIM 613723.
Epidermolysis bullosa simplex with nail dystrophy (EBS5D). Identifiers: MedGen C4225309, MONDO:0014661, OMIM 616487.
Epidermolysis bullosa simplex 5B, with muscular dystrophy (EBS5B). Also called: EPIDERMOLYSIS BULLOSA SIMPLEX AND LIMB-GIRDLE MUSCULAR DYSTROPHY; Epidermolysis bullosa simplex with muscular dystrophy. Identifiers: Orphanet 257, MedGen C2931072, MONDO:0009181, OMIM 226670.

Allele frequency attached by ClinVar (database versions not stated): gnomAD exomes 0.00055; ExAC 0.00085; ESP Exome Variant Server 0.00104; TOPMed 0.00139; gnomAD 0.00153 and 0.00164; 1000 Genomes Project 30x 0.00156; 1000 Genomes Project 0.00180.

Submissions (8):

Labcorp Genetics (formerly Invitae), Labcorp
Classification: Likely benign for Autosomal recessive limb-girdle muscular dystrophy type 2Q; Epidermolysis bullosa simplex, Ogna type; Epidermolysis bullosa simplex with nail dystrophy; Epidermolysis bullosa simplex 5C, with pyloric atresia; Epidermolysis bullosa simplex 5B, with muscular dystrophy. Last evaluated: 2026-01-26. Review status: criteria provided, single submitter. Criteria: Invitae Variant Classification Sherloc (09022015). Collection method: clinical testing. Allele origin: germline.

Mayo Clinic Laboratories, Mayo Clinic
Classification: Benign. Last evaluated: 2024-10-22. Review status: criteria provided, single submitter. Criteria: ACMG Guidelines, 2015. Collection method: clinical testing. Allele origin: germline. Observed: 2 variant alleles.
Comment: BS1, BS2

Blueprint Genetics
Classification: Likely benign. Last evaluated: 2024-09-20. Review status: criteria provided, single submitter. Criteria: ACMG Guidelines, 2015. Collection method: clinical testing. Allele origin: germline.

CeGaT Center for Human Genetics Tuebingen
Classification: Likely benign. Last evaluated: 2023-07-01. Review status: criteria provided, single submitter. Criteria: CeGaT Center For Human Genetics Tuebingen Variant Classification Criteria Version 2. Collection method: clinical testing. Allele origin: germline. Affected: yes. Observed: 1 variant allele.
Comment: PLEC: BS2

Athena Diagnostics
Classification: Benign. Last evaluated: 2019-06-30. Review status: criteria provided, single submitter. Criteria: Athena Diagnostics Criteria. Collection method: clinical testing. Allele origin: germline.

GeneDx
Classification: Likely benign. Last evaluated: 2018-11-25. Review status: criteria provided, single submitter. Criteria: GeneDx Variant Classification Process June 2021. Collection method: clinical testing. Allele origin: germline. Affected: yes.

Eurofins Ntd Llc (ga)
Classification: Uncertain significance. Last evaluated: 2015-12-17. Review status: criteria provided, single submitter. Criteria: EGL Classification Definitions 2015. Collection method: clinical testing. Allele origin: germline. Observed: 3 variant alleles, 3 heterozygotes.

PreventionGenetics, part of Exact Sciences
Classification: Likely benign for PLEC-related condition. Last evaluated: 2020-03-23. Review status: no assertion criteria provided. Collection method: clinical testing. Allele origin: germline. Not counted in ClinVar's aggregate classification.
Comment: This variant is classified as likely benign based on ACMG/AMP sequence variant interpretation guidelines (Richards et al. 2015 PMID: 25741868, with internal and published modifications).

NM_201384.3(PLEC):c.2551G>A (p.Val851Met)

Gene: PLEC (plectin; minus strand). Cytogenetic location: 8q24.3.
Variant type: single nucleotide variant.
Coding change: c.2551G>A on transcript NM_201384.3 (MANE Select); coding-DNA position 2551, G replaced by A.
Protein change: p.Val851Met; replaces valine 851 with methionine.
Molecular consequence: missense variant.
Genome position (GRCh38, 1-based): chr8:143,930,205, C>T on the plus strand (G>A on the coding strand, the complement: PLEC is on the minus strand). VCF-style: chr8-143930205-C-T. GRCh37 (hg19) VCF-style: chr8-145004373-C-T.
Other names: p.Val878Met; c.2632G>A, p.Val878Met (NM_000445.5); c.2509G>A, p.Val837Met (NM_201378.4); c.2485G>A, p.Val829Met (NM_201379.3); c.2962G>A, p.Val988Met (NM_201380.4); c.2455G>A, p.Val819Met (NM_201381.3); c.2551G>A, p.Val851Met (NM_201382.4); c.2563G>A, p.Val855Met (NM_201383.3); short protein forms V819M, V829M, V837M, V851M, V855M, V878M, V988M.
Identifiers: ClinVar variation 195656 (VCV000195656.46), dbSNP rs200647397, ClinGen allele CA242168.